The following is an entry in ClinVar:

NM_000551.4(VHL):c.200A>G (p.Asn67Ser)

Gene: VHL (von Hippel-Lindau tumor suppressor; plus strand). Cytogenetic location: 3p25.3.
Variant type: single nucleotide variant.
Coding change: c.200A>G on transcript NM_000551.4 (MANE Select); coding-DNA position 200, A replaced by G.
Protein change: p.Asn67Ser; replaces asparagine 67 with serine.
Molecular consequence: missense variant. On other transcripts: non-coding transcript variant (1).
Genome position (GRCh38, 1-based): chr3:10,142,047, A>G. VCF-style: chr3-10142047-A-G. GRCh37 (hg19) VCF-style: chr3-10183731-A-G.
Other names: c.200A>G, p.Asn67Ser (NM_001354723.2, NM_198156.3); short protein forms N67S.
Identifiers: ClinVar variation 2451971 (VCV002451971.6), dbSNP rs2125124975, ClinGen allele CA351748835.

ClinVar aggregate classification (germline): Uncertain significance. Review status: criteria provided, multiple submitters, no conflicts (2 of 4 stars). 2 submissions from 2 submitters: Uncertain significance (2). Last evaluated 2026-04-21.

Conditions:
Chuvash polycythemia. Also called: POLYCYTHEMIA, VHL-DEPENDENT. Identifiers: Orphanet 238557, MedGen C1837915, MONDO:0009892, OMIM 263400.
Von Hippel-Lindau syndrome (VHLS). Also called: Von Hippel-Lindau; von Hippel–Lindau syndrome; VHL syndrome. Identifiers: Orphanet 892, MedGen C0019562, MONDO:0008667, OMIM 193300. Disease mechanism: loss of function.
Hereditary cancer-predisposing syndrome. Also called: Tumor predisposition; Hereditary Cancer Syndrome; Hereditary neoplastic syndrome; Neoplastic Syndromes, Hereditary. Identifiers: Orphanet 140162, MedGen C0027672, MeSH D009386, MONDO:0015356.

Submissions (2):

Ambry Genetics
Classification: Uncertain significance for Hereditary cancer-predisposing syndrome. Last evaluated: 2026-04-21. Review status: criteria provided, single submitter. Criteria: Ambry Variant Classification Scheme 2023. Collection method: clinical testing. Allele origin: germline.
Comment: The p.N67S variant (also known as c.200A>G), located in coding exon 1 of the VHL gene, results from an A to G substitution at nucleotide position 200. The asparagine at codon 67 is replaced by serine, an amino acid with highly similar properties. This variant was reported in individual(s) with features associated with Von-Hippel Lindau syndrome (Minervini G et al. PLoS Comput Biol. 2019 Apr;15:e1006478). This variant was determined to be functionally neutral in one saturation genome editing assay (Buckley M et al. Nat Genet, 2024 Jul;56:1446-1455). This amino acid position is highly conserved in available vertebrate species. In addition, the in silico prediction for this alteration is inconclusive. Based on the available evidence, the clinical significance of this variant remains unclear.

Labcorp Genetics (formerly Invitae), Labcorp
Classification: Uncertain significance for Von Hippel-Lindau syndrome; Chuvash polycythemia. Last evaluated: 2023-05-25. Review status: criteria provided, single submitter. Criteria: Invitae Variant Classification Sherloc (09022015). Collection method: clinical testing. Allele origin: germline.
Comment: ClinVar contains an entry for this variant (Variation ID: 2451971). In summary, the available evidence is currently insufficient to determine the role of this variant in disease. Therefore, it has been classified as a Variant of Uncertain Significance. Advanced modeling of protein sequence and biophysical properties (such as structural, functional, and spatial information, amino acid conservation, physicochemical variation, residue mobility, and thermodynamic stability) performed at Invitae indicates that this missense variant is expected to disrupt VHL protein function. This variant has not been reported in the literature in individuals affected with VHL-related conditions. This variant is not present in population databases (gnomAD no frequency). This sequence change replaces asparagine, which is neutral and polar, with serine, which is neutral and polar, at codon 67 of the VHL protein (p.Asn67Ser).

Literature cited by the submitters: PubMed 30943211 (cited by Ambry Genetics); PubMed 38969834 (cited by Ambry Genetics).